The following is an entry in ClinVar:

NM_024854.5(PYROXD1):c.736_739del (p.Lys246fs)

Gene: PYROXD1 (pyridine nucleotide-disulphide oxidoreductase domain 1; plus strand). Cytogenetic location: 12p12.1.
Variant type: Deletion.
Coding change: c.736_739del on transcript NM_024854.5 (MANE Select); coding-DNA positions 736 to 739, 4 bases deleted (AAAG; older notation c.736_739delAAAG).
Protein change: p.Lys246fs; shifts the reading frame from lysine 246.
Molecular consequence: frameshift variant. On other transcripts: 5 prime UTR variant (1).
Genome position (GRCh38, 1-based): chr12:21,456,081-21,456,084, AAAG deleted. VCF-style (leftmost placement, unchanged base first): chr12-21456080-TAAAG-T. GRCh37 (hg19) VCF-style: chr12-21609014-TAAAG-T.
Other names: c.523_526del, p.Lys175fs (NM_001350912.2); c.-42_-39del (NM_001350913.2); short protein forms K175fs, K246fs.
Identifiers: ClinVar variation 2880801 (VCV002880801.3), dbSNP rs2540258311, ClinGen allele CA2617909811.
Genomic context (GRCh38, chr12:21,456,080, plus strand): 5'-ATCTAAAGCAGATAATGTAGGAAGTGCATTGGGACCAGATTGGCATGAAGGCTTGAATCT[TAAAG>T]GAACAAAAGAGGTATCTTTTCATATACTAATTGGTCATGTCTAAATGTAATTTTAAATTC-3'

ClinVar aggregate classification (germline): Pathogenic (1 of 4 stars; one submission).

Allele frequency attached by ClinVar (database versions not stated): gnomAD exomes below 0.00001.

Submission:

Labcorp Genetics (formerly Invitae), Labcorp
Classification: Pathogenic. Last evaluated: 2023-08-17. Review status: criteria provided, single submitter. Criteria: Invitae Variant Classification Sherloc (09022015). Collection method: clinical testing. Allele origin: germline.
Comment: For these reasons, this variant has been classified as Pathogenic. This variant has not been reported in the literature in individuals affected with PYROXD1-related conditions. This variant is not present in population databases (gnomAD no frequency). This sequence change creates a premature translational stop signal (p.Lys246Glufs*17) in the PYROXD1 gene. It is expected to result in an absent or disrupted protein product. Loss-of-function variants in PYROXD1 are known to be pathogenic (PMID: 27745833).

Literature cited by the submitters: PubMed 27745833.